The following is an entry in ClinVar:

ClinVar aggregate classification (germline): Uncertain significance (1 of 4 stars; one submission).

Conditions:
Familial hypobetalipoproteinemia 1. Also called: APOB-Related Familial Hypobetalipoproteinemia; Hypobetalipoproteinemia, normotriglyceridemic; Acanthocytosis with hypobetalipoproteinemia. Identifiers: MedGen C4551990, MONDO:0014252, OMIM 615558.
Hypercholesterolemia, autosomal dominant, type B (FHCL2). Also called: Familial Hypercholesterolemia Type B; APOLIPOPROTEIN B-100, FAMILIAL DEFECTIVE; APOLIPOPROTEIN B-100, FAMILIAL LIGAND-DEFECTIVE; APOB-Related Familial Hypercholesterolemia, Autosomal Dominant; Familial hypercholesterolemia 2; Hyperlipoproteinemia Type IIb. Identifiers: MedGen C1704417, MONDO:0007751, OMIM 144010.

Submission:

Labcorp Genetics (formerly Invitae), Labcorp
Classification: Uncertain significance for Familial hypobetalipoproteinemia 1; Hypercholesterolemia, autosomal dominant, type B. Last evaluated: 2019-09-17. Review status: criteria provided, single submitter. Criteria: Invitae Variant Classification Sherloc (09022015). Collection method: clinical testing. Allele origin: germline.
Comment: This variant has not been reported in the literature in individuals with APOB-related conditions. In summary, the available evidence is currently insufficient to determine the role of this variant in disease. Therefore, it has been classified as a Variant of Uncertain Significance. Experimental studies and prediction algorithms are not available or were not evaluated for this variant, and the functional significance of this variant is currently unknown. This variant is not present in population databases (ExAC no frequency). This sequence change results in a premature translational stop signal in the APOB gene (p.Trp4058*). While this is not anticipated to result in nonsense mediated decay, it is expected to disrupt the last 506 amino acids of the APOB protein.

NM_000384.3(APOB):c.12174G>A (p.Trp4058Ter)

Gene: APOB (apolipoprotein B; minus strand). Cytogenetic location: 2p24.1.
Variant type: single nucleotide variant.
Coding change: c.12174G>A on transcript NM_000384.3 (MANE Select); coding-DNA position 12174, G replaced by A.
Protein change: p.Trp4058Ter; replaces tryptophan 4058 with a stop codon.
Molecular consequence: nonsense.
Genome position (GRCh38, 1-based): chr2:21,003,248, C>T on the plus strand (G>A on the coding strand, the complement: APOB is on the minus strand). VCF-style: chr2-21003248-C-T. GRCh37 (hg19) VCF-style: chr2-21226120-C-T.
Other names: short protein forms W4058*.
Identifiers: ClinVar variation 964608 (VCV000964608.10), dbSNP rs1663041676, ClinGen allele CA345972441.